The following is an entry in ClinVar:

ClinVar aggregate classification (germline): Uncertain significance. Review status: criteria provided, multiple submitters, no conflicts (2 of 4 stars). 3 submissions from 3 submitters: Uncertain significance (3). Last evaluated 2025-09-10.

Conditions:
Familial sleep-related hypermotor epilepsy. Also called: Autosomal Dominant Sleep-Related Hypermotor (Hyperkinetic) Epilepsy. Identifiers: Orphanet 98784, MedGen C3696898, MONDO:0000030.
Inborn genetic diseases. Identifiers: MedGen C0950123, MeSH D030342.

Allele frequency attached by ClinVar (database versions not stated): gnomAD exomes below 0.00001; TOPMed below 0.00001.

Submissions (3):

Ambry Genetics
Classification: Uncertain significance for Inborn genetic diseases. Last evaluated: 2025-09-10. Review status: criteria provided, single submitter. Criteria: Ambry Variant Classification Scheme 2023. Collection method: clinical testing. Allele origin: germline.

Labcorp Genetics (formerly Invitae), Labcorp
Classification: Uncertain significance. Last evaluated: 2024-04-01. Review status: criteria provided, single submitter. Criteria: Invitae Variant Classification Sherloc (09022015). Collection method: clinical testing. Allele origin: germline.
Comment: This sequence change replaces alanine, which is neutral and non-polar, with threonine, which is neutral and polar, at codon 455 of the CHRNB2 protein (p.Ala455Thr). This variant is present in population databases (no rsID available, gnomAD no frequency). This variant has not been reported in the literature in individuals affected with CHRNB2-related conditions. ClinVar contains an entry for this variant (Variation ID: 2442759). Advanced modeling of protein sequence and biophysical properties (such as structural, functional, and spatial information, amino acid conservation, physicochemical variation, residue mobility, and thermodynamic stability) performed at Invitae indicates that this missense variant is expected to disrupt CHRNB2 protein function with a positive predictive value of 80%. In summary, the available evidence is currently insufficient to determine the role of this variant in disease. Therefore, it has been classified as a Variant of Uncertain Significance.

GeneDx
Classification: Uncertain significance. Last evaluated: 2022-09-01. Review status: criteria provided, single submitter. Criteria: GeneDx Variant Classification Process June 2021. Collection method: clinical testing. Allele origin: germline. Affected: yes.
Comment: In silico analysis supports that this missense variant has a deleterious effect on protein structure/function; Has not been previously published as pathogenic or benign to our knowledge

NM_000748.3(CHRNB2):c.1363G>A (p.Ala455Thr)

Gene: CHRNB2 (cholinergic receptor nicotinic beta 2 subunit; plus strand). Cytogenetic location: 1q21.3.
Variant type: single nucleotide variant.
Coding change: c.1363G>A on transcript NM_000748.3 (MANE Select); coding-DNA position 1363, G replaced by A.
Protein change: p.Ala455Thr; replaces alanine 455 with threonine.
Molecular consequence: missense variant.
Genome position (GRCh38, 1-based): chr1:154,575,786, G>A. VCF-style: chr1-154575786-G-A. GRCh37 (hg19) VCF-style: chr1-154548262-G-A.
Other names: short protein forms A455T.
Identifiers: ClinVar variation 2442759 (VCV002442759.4), dbSNP rs1460853080, ClinGen allele CA342632710.